The following is an entry in ClinVar:

NM_000368.5(TSC1):c.3266G>C (p.Gly1089Ala)

Gene: TSC1 (TSC complex subunit 1; minus strand). Cytogenetic location: 9q34.13.
Variant type: single nucleotide variant.
Coding change: c.3266G>C on transcript NM_000368.5 (MANE Select); coding-DNA position 3266, G replaced by C.
Protein change: p.Gly1089Ala; replaces glycine 1089 with alanine.
Molecular consequence: missense variant.
Genome position (GRCh38, 1-based): chr9:132,896,464, C>G on the plus strand (G>C on the coding strand, the complement: TSC1 is on the minus strand). VCF-style: chr9-132896464-C-G. GRCh37 (hg19) VCF-style: chr9-135771851-C-G.
Other names: c.3263G>C, p.Gly1088Ala (NM_001162426.2); c.3113G>C, p.Gly1038Ala (NM_001162427.2); c.2903G>C, p.Gly968Ala (NM_001362177.2); short protein forms G1089A, G1038A, G968A, G1088A.
Identifiers: ClinVar variation 466128 (VCV000466128.21), dbSNP rs762845573, ClinGen allele CA036274.

ClinVar aggregate classification (germline): Benign/Likely benign. Review status: criteria provided, multiple submitters, no conflicts (2 of 4 stars). 6 submissions from 6 submitters: Benign (1); Likely benign (5). Last evaluated 2026-01-10.

Conditions:
TSC1-related disorder. Also called: TSC1-related condition.
Hereditary cancer-predisposing syndrome. Also called: Tumor predisposition; Hereditary neoplastic syndrome; Neoplastic Syndromes, Hereditary; Hereditary Cancer Syndrome. Identifiers: Orphanet 140162, MedGen C0027672, MeSH D009386, MONDO:0015356.
Tuberous sclerosis syndrome (TSC). Also called: Tuberous Sclerosis Complex; Tuberous sclerosis. Identifiers: Orphanet 805, MedGen C0041341, MONDO:0001734.
Tuberous sclerosis 1 (TSC1). Identifiers: Orphanet 805, MedGen C1854465, MONDO:0008612, OMIM 191100.

Allele frequency attached by ClinVar (database versions not stated): gnomAD 0.00002; TOPMed 0.00002.
gnomAD v4.1: 6 of 1,614,098 alleles (0.00037%); highest among the groups gnomAD compares: East Asian, 0.013%; no homozygotes.

Submissions (6):

Labcorp Genetics (formerly Invitae), Labcorp
Classification: Benign for Tuberous sclerosis 1. Last evaluated: 2026-01-10. Review status: criteria provided, single submitter. Criteria: Invitae Variant Classification Sherloc (09022015). Collection method: clinical testing. Allele origin: germline.

PreventionGenetics, part of Exact Sciences
Classification: Likely benign for TSC1-related condition. Last evaluated: 2025-04-22. Review status: criteria provided, single submitter. Criteria: ACMG Guidelines, 2015. Collection method: clinical testing. Allele origin: germline.
Comment: This variant is classified as likely benign based on ACMG/AMP sequence variant interpretation guidelines (Richards et al. 2015 PMID: 25741868, with internal and published modifications).

Myriad Genetics, Inc.
Classification: Likely benign for Tuberous sclerosis 1. Last evaluated: 2024-08-16. Review status: criteria provided, single submitter. Criteria: Myriad Autosomal Dominant, Autosomal Recessive and X-Linked Classification Criteria (2023). Collection method: clinical testing. Allele origin: unknown.
Comment: This variant is considered likely benign. This variant has been observed at a population frequency that is significantly greater than expected given the associated disease prevalence and penetrance.

Color Diagnostics, LLC DBA Color Health
Classification: Likely benign for Tuberous sclerosis syndrome. Last evaluated: 2023-05-24. Review status: criteria provided, single submitter. Criteria: ACMG Guidelines, 2015. Collection method: clinical testing. Allele origin: germline.

Ambry Genetics
Classification: Likely benign for Hereditary cancer-predisposing syndrome. Last evaluated: 2023-03-01. Review status: criteria provided, single submitter. Criteria: Ambry Variant Classification Scheme 2023. Collection method: clinical testing. Allele origin: germline.

Genome-Nilou Lab
Classification: Likely benign for Tuberous sclerosis 1. Last evaluated: 2021-11-07. Review status: criteria provided, single submitter. Criteria: ACMG Guidelines, 2015. Collection method: clinical testing. Allele origin: germline. Affected: no.

Literature cited by the submitters: PubMed 31832524 (cited by Ambry Genetics); PubMed 32091409 (cited by Ambry Genetics).